The following is an entry in ClinVar:

NM_007186.6(CEP250):c.5734G>A (p.Glu1912Lys)

Gene: CEP250 (centrosomal protein 250; plus strand). Cytogenetic location: 20q11.22.
Variant type: single nucleotide variant.
Coding change: c.5734G>A on transcript NM_007186.6 (MANE Select); coding-DNA position 5734, G replaced by A.
Protein change: p.Glu1912Lys; replaces glutamic acid 1912 with lysine.
Molecular consequence: missense variant.
Genome position (GRCh38, 1-based): chr20:35,504,103, G>A. VCF-style: chr20-35504103-G-A. GRCh37 (hg19) VCF-style: chr20-34091931-G-A.
Other names: c.3838G>A, p.Glu1280Lys (NM_001318219.1); short protein forms E1280K, E1912K.
Identifiers: ClinVar variation 1019277 (VCV001019277.7), dbSNP rs373721972, ClinGen allele CA9833919.

ClinVar aggregate classification (germline): Uncertain significance (1 of 4 stars; one submission).

Allele frequency attached by ClinVar (database versions not stated): gnomAD 0.00001; gnomAD exomes 0.00001; ExAC 0.00002; ESP Exome Variant Server 0.00008; 1000 Genomes Project 0.00040; 1000 Genomes Project 30x 0.00047.
gnomAD v4.1: 2 of 1,612,858 alleles (0.00012%); highest among the groups gnomAD compares: African/African-American, 0.0027%; no homozygotes.

Submission:

Labcorp Genetics (formerly Invitae), Labcorp
Classification: Uncertain significance. Last evaluated: 2022-08-15. Review status: criteria provided, single submitter. Criteria: Invitae Variant Classification Sherloc (09022015). Collection method: clinical testing. Allele origin: germline.
Comment: In summary, the available evidence is currently insufficient to determine the role of this variant in disease. Therefore, it has been classified as a Variant of Uncertain Significance. Algorithms developed to predict the effect of missense changes on protein structure and function are either unavailable or do not agree on the potential impact of this missense change (SIFT: "Not Available"; PolyPhen-2: "Possibly Damaging"; Align-GVGD: "Not Available"). ClinVar contains an entry for this variant (Variation ID: 1019277). This variant has not been reported in the literature in individuals affected with CEP250-related conditions. This variant is present in population databases (rs373721972, gnomAD 0.01%). This sequence change replaces glutamic acid with lysine at codon 1912 of the CEP250 protein (p.Glu1912Lys). The glutamic acid residue is moderately conserved and there is a small physicochemical difference between glutamic acid and lysine.